The following is an entry in ClinVar:

ClinVar aggregate classification (germline): Uncertain significance (1 of 4 stars; one submission).

Conditions:
Congenital myotonia, autosomal dominant form (THD). Also called: THOMSEN DISEASE; Myotonia congenita autosomal dominant. Identifiers: Orphanet 614, MedGen C2936781, MONDO:0008055, OMIM 160800.
Congenital myotonia, autosomal recessive form. Also called: BECKER DISEASE; Becker Generalized Myotonia; myotonia congenita, autosomal recessive. Identifiers: Orphanet 614, MedGen C0751360, MONDO:0009715, OMIM 255700.

gnomAD v4.1: 8 of 1,614,022 alleles (0.0005%); highest among the groups gnomAD compares: African/African-American, 0.008%; no homozygotes.

Submission:

Labcorp Genetics (formerly Invitae), Labcorp
Classification: Uncertain significance for Congenital myotonia, autosomal recessive form; Congenital myotonia, autosomal dominant form. Last evaluated: 2025-09-01. Review status: criteria provided, single submitter. Criteria: Invitae Variant Classification Sherloc (09022015). Collection method: clinical testing. Allele origin: germline.
Comment: This sequence change falls in intron 8 of the CLCN1 gene. It does not directly change the encoded amino acid sequence of the CLCN1 protein. It affects a nucleotide within the consensus splice site. This variant is present in population databases (rs377300277, gnomAD 0.003%). This variant has not been reported in the literature in individuals affected with CLCN1-related conditions. Variants that disrupt the consensus splice site are a relatively common cause of aberrant splicing (PMID: 17576681, 9536098). Algorithms developed to predict the effect of sequence changes on RNA splicing suggest that this variant is not likely to affect RNA splicing. In summary, the available evidence is currently insufficient to determine the role of this variant in disease. Therefore, it has been classified as a Variant of Uncertain Significance.

Literature cited by the submitters: PubMed 17576681; PubMed 9536098.

NM_000083.3(CLCN1):c.979+5C>T

Gene: CLCN1 (chloride voltage-gated channel 1; plus strand). Cytogenetic location: 7q34.
Variant type: single nucleotide variant.
Coding change: c.979+5C>T on transcript NM_000083.3 (MANE Select); 5 bases into the intron after coding-DNA position 979, C replaced by T.
Molecular consequence: intron variant.
Genome position (GRCh38, 1-based): chr7:143,330,902, C>T. VCF-style: chr7-143330902-C-T. GRCh37 (hg19) VCF-style: chr7-143027995-C-T.
Identifiers: ClinVar variation 4782431 (VCV004782431.1).